The following is an entry in ClinVar:

NM_001458.5(FLNC):c.1790T>C (p.Ile597Thr)

Gene: FLNC (filamin C; plus strand). Cytogenetic location: 7q32.1.
Variant type: single nucleotide variant.
Coding change: c.1790T>C on transcript NM_001458.5 (MANE Select); coding-DNA position 1790, T replaced by C.
Protein change: p.Ile597Thr; replaces isoleucine 597 with threonine.
Molecular consequence: missense variant.
Genome position (GRCh38, 1-based): chr7:128,840,947, T>C. VCF-style: chr7-128840947-T-C. GRCh37 (hg19) VCF-style: chr7-128481001-T-C.
Other names: c.1790T>C, p.Ile597Thr (NM_001127487.2); short protein forms I597T.
Identifiers: ClinVar variation 2931455 (VCV002931455.3), dbSNP rs2536627349, ClinGen allele CA369227077.

ClinVar aggregate classification (germline): Uncertain significance. Review status: criteria provided, multiple submitters, no conflicts (2 of 4 stars). 2 submissions from 2 submitters: Uncertain significance (2). Last evaluated 2026-03-11.

Conditions:
Distal myopathy with posterior leg and anterior hand involvement. Also called: WILLIAMS DISTAL MYOPATHY. Identifiers: Orphanet 63273, MedGen C3279722, MONDO:0013550, OMIM 614065.
Myofibrillar myopathy 5. Also called: Filaminopathy (type); FILAMINOPATHY, AUTOSOMAL DOMINANT. Identifiers: Orphanet 171445, MedGen C1836050, MONDO:0012289, OMIM 609524.
Hypertrophic cardiomyopathy 26. Also called: Cardiomyopathy, familial hypertrophic, 26. Identifiers: Orphanet 75249, MedGen C4310749, MONDO:0014883, OMIM 617047.
Dilated Cardiomyopathy, Dominant.

Submissions (2):

GeneDx
Classification: Uncertain significance. Last evaluated: 2026-03-11. Review status: criteria provided, single submitter. Criteria: GeneDx Variant Classification Process June 2021. Collection method: clinical testing. Allele origin: germline.
Comment: Not observed at significant frequency in large population cohorts (gnomAD); In silico analysis supports that this missense variant has a deleterious effect on protein structure/function; Has not been previously published as pathogenic or benign to our knowledge

Labcorp Genetics (formerly Invitae), Labcorp
Classification: Uncertain significance for Distal myopathy with posterior leg and anterior hand involvement; Myofibrillar myopathy 5; Hypertrophic cardiomyopathy 26. Last evaluated: 2024-01-06. Review status: criteria provided, single submitter. Criteria: Invitae Variant Classification Sherloc (09022015). Collection method: clinical testing. Allele origin: germline.
Comment: This sequence change replaces isoleucine, which is neutral and non-polar, with threonine, which is neutral and polar, at codon 597 of the FLNC protein (p.Ile597Thr). This variant is not present in population databases (gnomAD no frequency). This variant has not been reported in the literature in individuals affected with FLNC-related conditions. Advanced modeling of protein sequence and biophysical properties (such as structural, functional, and spatial information, amino acid conservation, physicochemical variation, residue mobility, and thermodynamic stability) has been performed at Invitae for this missense variant, however the output from this modeling did not meet the statistical confidence thresholds required to predict the impact of this variant on FLNC protein function. In summary, the available evidence is currently insufficient to determine the role of this variant in disease. Therefore, it has been classified as a Variant of Uncertain Significance.